The following is an entry in ClinVar:

NM_000548.5(TSC2):c.901A>C (p.Met301Leu)

Gene: TSC2 (TSC complex subunit 2; plus strand). Cytogenetic location: 16p13.3.
Variant type: single nucleotide variant.
Coding change: c.901A>C on transcript NM_000548.5 (MANE Select); coding-DNA position 901, A replaced by C.
Protein change: p.Met301Leu; replaces methionine 301 with leucine.
Molecular consequence: missense variant.
Genome position (GRCh38, 1-based): chr16:2,058,799, A>C. VCF-style: chr16-2058799-A-C. GRCh37 (hg19) VCF-style: chr16-2108800-A-C.
Other names: c.901A>C (NM_000548.3); c.901A>C, p.Met301Leu (NM_001077183.3, NM_001114382.3, NM_001363528.2 and 3 more transcripts); c.790A>C, p.Met264Leu (NM_001318827.2); c.754A>C, p.Met252Leu (NM_001318829.2); c.301A>C, p.Met101Leu (NM_001318831.2); c.934A>C, p.Met312Leu (NM_001318832.2); short protein forms M264L, M301L, M252L, M101L, M312L.
Identifiers: ClinVar variation 1037501 (VCV001037501.9), dbSNP rs1356498946, ClinGen allele CA394315256.
Genomic context (GRCh38, chr16:2,058,799, plus strand): 5'-ACTTTTAGAGCCTACATGGAGGACGCGCCCCTGCTGAGAGGAGCCGTGTTTTTTGTGGGC[A>C]TGGCTCTCTGGGGAGCCCACCGGCTCTATTCTCTCAGGAACTCGCCGACATCTGTGTTGC-3'
Protein context (NP_000539.2, residues 291-311): LLRGAVFFVG[Met301Leu]ALWGAHRLYS

ClinVar aggregate classification (germline): Uncertain significance. Review status: criteria provided, multiple submitters, no conflicts (2 of 4 stars). 2 submissions from 2 submitters: Uncertain significance (2). Last evaluated 2024-04-16.

Conditions:
Hereditary cancer-predisposing syndrome. Also called: Neoplastic Syndromes, Hereditary; Hereditary Cancer Syndrome; Tumor predisposition; Hereditary neoplastic syndrome. Identifiers: Orphanet 140162, MedGen C0027672, MeSH D009386, MONDO:0015356.
Tuberous sclerosis 2 (TSC2). Identifiers: Orphanet 805, MedGen C1860707, MONDO:0013199, OMIM 613254.

Submissions (2):

Ambry Genetics
Classification: Uncertain significance for Hereditary cancer-predisposing syndrome. Last evaluated: 2024-04-16. Review status: criteria provided, single submitter. Criteria: Ambry Variant Classification Scheme 2023. Collection method: clinical testing. Allele origin: germline.
Comment: The p.M301L variant (also known as c.901A>C), located in coding exon 9 of the TSC2 gene, results from an A to C substitution at nucleotide position 901. The methionine at codon 301 is replaced by leucine, an amino acid with highly similar properties. This amino acid position is conserved. In addition, this alteration is predicted to be deleterious by in silico analysis. Based on the available evidence, the clinical significance of this variant remains unclear.

Labcorp Genetics (formerly Invitae), Labcorp
Classification: Uncertain significance for Tuberous sclerosis 2. Last evaluated: 2021-07-19. Review status: criteria provided, single submitter. Criteria: Invitae Variant Classification Sherloc (09022015). Collection method: clinical testing. Allele origin: germline.
Comment: This sequence change replaces methionine with leucine at codon 301 of the TSC2 protein (p.Met301Leu). The methionine residue is highly conserved and there is a small physicochemical difference between methionine and leucine. In summary, the available evidence is currently insufficient to determine the role of this variant in disease. Therefore, it has been classified as a Variant of Uncertain Significance. Advanced modeling of protein sequence and biophysical properties (such as structural, functional, and spatial information, amino acid conservation, physicochemical variation, residue mobility, and thermodynamic stability) performed at Invitae indicates that this missense variant is not expected to disrupt TSC2 protein function. This variant has not been reported in the literature in individuals with TSC2-related conditions. This variant is not present in population databases (ExAC no frequency).